The following is an entry in ClinVar:

ClinVar aggregate classification (germline): Uncertain significance (1 of 4 stars; one submission).

Submission:

Labcorp Genetics (formerly Invitae), Labcorp
Classification: Uncertain significance. Last evaluated: 2025-10-02. Review status: criteria provided, single submitter. Criteria: Invitae Variant Classification Sherloc (09022015). Collection method: clinical testing. Allele origin: germline.
Comment: This sequence change replaces valine, which is neutral and non-polar, with glycine, which is neutral and non-polar, at codon 4080 of the HMCN1 protein (p.Val4080Gly). This variant is not present in population databases (gnomAD no frequency). This variant has not been reported in the literature in individuals affected with HMCN1-related conditions. ClinVar contains an entry for this variant (Variation ID: 2807790). An algorithm developed to predict the effect of missense changes on protein structure and function (PolyPhen-2) suggests that this variant is likely to be disruptive. In summary, the available evidence is currently insufficient to determine the role of this variant in disease. Therefore, it has been classified as a Variant of Uncertain Significance.

NM_031935.3(HMCN1):c.12239T>G (p.Val4080Gly)

Gene: HMCN1 (hemicentin 1; plus strand). Cytogenetic location: 1q31.1.
Variant type: single nucleotide variant.
Coding change: c.12239T>G on transcript NM_031935.3 (MANE Select); coding-DNA position 12239, T replaced by G.
Protein change: p.Val4080Gly; replaces valine 4080 with glycine.
Molecular consequence: missense variant.
Genome position (GRCh38, 1-based): chr1:186,122,960, T>G. VCF-style: chr1-186122960-T-G. GRCh37 (hg19) VCF-style: chr1-186092092-T-G.
Other names: short protein forms V4080G.
Identifiers: ClinVar variation 2807790 (VCV002807790.3), dbSNP rs2528038823, ClinGen allele CA343902849.